The following is an entry in ClinVar:

NM_001563.4(IMPG1):c.2150A>C (p.Asp717Ala)

Gene: IMPG1 (interphotoreceptor matrix proteoglycan 1; minus strand). Cytogenetic location: 6q14.1.
Variant type: single nucleotide variant.
Coding change: c.2150A>C on transcript NM_001563.4 (MANE Select); coding-DNA position 2150, A replaced by C.
Protein change: p.Asp717Ala; replaces aspartic acid 717 with alanine.
Molecular consequence: missense variant.
Genome position (GRCh38, 1-based): chr6:75,931,046, T>G on the plus strand (A>C on the coding strand, the complement: IMPG1 is on the minus strand). VCF-style: chr6-75931046-T-G. GRCh37 (hg19) VCF-style: chr6-76640763-T-G.
Other names: c.1916A>C, p.Asp639Ala (NM_001282368.2); short protein forms D639A, D717A.
Identifiers: ClinVar variation 1006454 (VCV001006454.8), dbSNP rs774819516, ClinGen allele CA3897917.

ClinVar aggregate classification (germline): Uncertain significance (1 of 4 stars; one submission).

Allele frequency attached by ClinVar (database versions not stated): gnomAD exomes below 0.00001 and 0.00001; ExAC 0.00001; TOPMed 0.00003.
gnomAD v4.1: 3 of 1,614,210 alleles (0.00019%); highest among the groups gnomAD compares: Admixed American, 0.0017%; no homozygotes.

Submission:

Labcorp Genetics (formerly Invitae), Labcorp
Classification: Uncertain significance. Last evaluated: 2025-04-23. Review status: criteria provided, single submitter. Criteria: Invitae Variant Classification Sherloc (09022015). Collection method: clinical testing. Allele origin: germline.
Comment: This sequence change replaces aspartic acid, which is acidic and polar, with alanine, which is neutral and non-polar, at codon 717 of the IMPG1 protein (p.Asp717Ala). This variant is present in population databases (rs774819516, gnomAD 0.0009%). This variant has not been reported in the literature in individuals affected with IMPG1-related conditions. ClinVar contains an entry for this variant (Variation ID: 1006454). An algorithm developed to predict the effect of missense changes on protein structure and function (PolyPhen-2) suggests that this variant is likely to be tolerated. In summary, the available evidence is currently insufficient to determine the role of this variant in disease. Therefore, it has been classified as a Variant of Uncertain Significance.